The following is an entry in ClinVar:

ClinVar aggregate classification (germline): Pathogenic/Likely pathogenic. Review status: criteria provided, multiple submitters, no conflicts (2 of 4 stars). 2 submissions from 2 submitters: Pathogenic (1); Likely pathogenic (1). Last evaluated 2022-06-17.
ClinVar aggregate classification (oncogenicity): Likely oncogenic (1 of 4 stars; one submission).

Conditions:
Cowden syndrome (CS). Also called: Cowden's disease; Cowden's syndrome; Cowden disease. Identifiers: Orphanet 201, MedGen C0018553, MONDO:0016063. Disease mechanism: gain of function.
Neoplasm. Also called: tumor; Neoplasms; Neoplasm (disease). Identifiers: MedGen C0027651, MeSH D009369, MONDO:0005070, HP:0002664.

Submissions (3):

Center for Genomic Medicine, Rigshospitalet, Copenhagen University Hospital
Classification: Likely oncogenic for Neoplasm. Last evaluated: 2025-12-29. Review status: criteria provided, single submitter. Criteria: ClinGen/CGC/VICC Guidelines for Oncogenicity, 2022. Collection method: clinical testing. Allele origin: somatic. Affected: yes.

Labcorp Genetics (formerly Invitae), Labcorp
Classification: Likely pathogenic for Cowden syndrome. Last evaluated: 2022-06-17. Review status: criteria provided, single submitter. Criteria: Invitae Variant Classification Sherloc (09022015). Collection method: clinical testing. Allele origin: germline.
Comment: This variant is not present in population databases (gnomAD no frequency). This missense change has been observed in individuals with clinical features of PIK3CA-related overgrowth spectrum disorders (PMID: 27631024; Invitae). ClinVar contains an entry for this variant (Variation ID: 1057635). Algorithms developed to predict the effect of missense changes on protein structure and function are either unavailable or do not agree on the potential impact of this missense change (SIFT: "Deleterious"; PolyPhen-2: "Benign"; Align-GVGD: "Class C0"). Algorithms developed to predict the effect of sequence changes on RNA splicing suggest that this variant may disrupt the consensus splice site. In summary, the currently available evidence indicates that the variant is pathogenic, but additional data are needed to prove that conclusively. Therefore, this variant has been classified as Likely Pathogenic. This sequence change replaces glutamic acid, which is acidic and polar, with lysine, which is basic and polar, at codon 970 of the PIK3CA protein (p.Glu970Lys).

GeneDx
Classification: Pathogenic. Last evaluated: 2022-06-13. Review status: criteria provided, single submitter. Criteria: GeneDx Variant Classification Process June 2021. Collection method: clinical testing. Allele origin: germline. Affected: yes.
Comment: Published functional studies demonstrate that E970K has an activating function in PI3K/AKT pathway (Jin et al., 2021); Not observed in large population cohorts (gnomAD); In silico analysis supports that this missense variant does not alter protein structure/function; This variant is associated with the following publications: (PMID: 27631024, 33415748, Kim2021[Case Report], 34779417, Challoner2022[Somatic])

Literature cited by the submitters: PubMed 34779417 (cited by Center for Genomic Medicine, Rigshospitalet, Copenhagen University Hospital); PubMed 27631024 (cited by Labcorp Genetics (formerly Invitae), Labcorp).

NM_006218.4(PIK3CA):c.2908G>A (p.Glu970Lys)

Gene: PIK3CA (phosphatidylinositol-4,5-bisphosphate 3-kinase catalytic subunit alpha; plus strand). Cytogenetic location: 3q26.32.
Variant type: single nucleotide variant.
Coding change: c.2908G>A on transcript NM_006218.4 (MANE Select); coding-DNA position 2908, G replaced by A.
Protein change: p.Glu970Lys; replaces glutamic acid 970 with lysine.
Molecular consequence: missense variant.
Genome position (GRCh38, 1-based): chr3:179,230,348, G>A. VCF-style: chr3-179230348-G-A. GRCh37 (hg19) VCF-style: chr3-178948136-G-A.
Other names: short protein forms E970K.
Identifiers: ClinVar variation 1057635 (VCV001057635.12), dbSNP rs2108425281, ClinGen allele CA355282001.
Genomic context (GRCh38, chr3:179,230,348, plus strand): 5'-GAACGTGTGCCATTTGTTTTGACACAGGATTTCTTAATAGTGATTAGTAAAGGAGCCCAA[G>A]AATGCACAAAGACAAGAGAATTTGAGAGGTGAGCTCGAGCAATTAAAAACACAAAATAAA-3'
Protein context (NP_006209.2, residues 960-980): FLIVISKGAQ[Glu970Lys]CTKTREFERF